The following is an entry in ClinVar:

ClinVar aggregate classification (germline): Benign/Likely benign. Review status: criteria provided, multiple submitters, no conflicts (2 of 4 stars). 3 submissions from 3 submitters: Benign (2); Likely benign (1). Last evaluated 2026-02-01.

Allele frequency attached by ClinVar (database versions not stated): gnomAD exomes 0.00035 and 0.00082; ExAC 0.00099; ESP Exome Variant Server 0.00315; gnomAD 0.00318 and 0.00336; TOPMed 0.00354; 1000 Genomes Project 0.00519; 1000 Genomes Project 30x 0.00578.
gnomAD v4.1: 1,045 of 1,612,938 alleles (0.065%); highest among the groups gnomAD compares: African/African-American, 1.1%; 3 homozygotes.

Submissions (3):

CeGaT Center for Human Genetics Tuebingen
Classification: Likely benign. Last evaluated: 2026-02-01. Review status: criteria provided, single submitter. Criteria: CeGaT Center For Human Genetics Tuebingen Variant Classification Criteria Version 2. Collection method: clinical testing. Allele origin: germline. Affected: yes. Observed: 2 variant alleles.
Comment: GPR35: BP4, BP7, BS1

Labcorp Genetics (formerly Invitae), Labcorp
Classification: Benign. Last evaluated: 2019-12-31. Review status: criteria provided, single submitter. Criteria: Invitae Variant Classification Sherloc (09022015). Collection method: clinical testing. Allele origin: germline.

Breakthrough Genomics
Classification: Benign. Review status: criteria provided, single submitter. Criteria: ACMG Guidelines, 2015. Collection method: not provided. Allele origin: germline. Inheritance: Unknown mechanism. Affected: yes.

NM_005301.5(GPR35):c.666C>T (p.Asn222=)

Gene: GPR35 (G protein-coupled receptor 35; plus strand). Cytogenetic location: 2q37.3.
Variant type: single nucleotide variant.
Coding change: c.666C>T on transcript NM_005301.5 (MANE Select); coding-DNA position 666, C replaced by T.
Protein change: p.Asn222=; no amino-acid change (asparagine 222 retained).
Molecular consequence: synonymous variant.
Genome position (GRCh38, 1-based): chr2:240,630,618, C>T. VCF-style: chr2-240630618-C-T. GRCh37 (hg19) VCF-style: chr2-241570035-C-T.
Other names: c.759C>T, p.Asn253= (NM_001195381.3, NM_001195382.3, NM_001394730.1).
Identifiers: ClinVar variation 778056 (VCV000778056.9), dbSNP rs147700491, ClinGen allele CA2206346.
Genomic context (GRCh38, chr2:240,630,618, plus strand): 5'-ACCCACCGACGTGGGGCAGGCAGAGGCCACCCGCAAGGCTGCCCGCATGGTCTGGGCCAA[C>T]CTCCTGGTGTTCGTGGTCTGCTTCCTGCCCCTGCACGTGGGGCTGACAGTGCGCCTCGCA-3'
Protein context (NP_005292.2, residues 212-232): TRKAARMVWA[Asn222=]LLVFVVCFLP